The following is an entry in ClinVar:

NM_001040108.2(MLH3):c.4243-37_4243-1dup

Gene: MLH3 (mutL homolog 3; minus strand). Cytogenetic location: 14q24.3.
Variant type: Duplication.
Coding change: c.4243-37_4243-1dup on transcript NM_001040108.2 (MANE Select); 37 bases into the intron before coding-DNA position 4243 through the canonical splice acceptor site of the intron before coding-DNA position 4243, 37 bases duplicated.
Molecular consequence: splice acceptor variant.
Genome position (GRCh38, 1-based): chr14:75,017,202-75,017,238, 37 bases duplicated. GRCh37 (hg19): chr14:75,483,905-75,483,941.
Other names: c.4243-37_4243-1dupTCATATTGCTAATTGAAGTTATTCTTTCTTCCCATAG (NM_001040108.1); c.4171-37_4171-1dup (NM_014381.3).
Identifiers: ClinVar variation 238249 (VCV000238249.15), dbSNP rs56393982, ClinGen allele CA7275172.

ClinVar aggregate classification (germline): Benign/Likely benign. Review status: criteria provided, multiple submitters, no conflicts (2 of 4 stars). 4 submissions from 4 submitters: Benign (3); Likely benign (1). Last evaluated 2026-02-19.

Conditions:
Colorectal cancer, hereditary nonpolyposis, type 7. Identifiers: Orphanet 144, MedGen C1858380, MONDO:0013725, OMIM 614385.

Allele frequency attached by ClinVar (database versions not stated): ExAC 0.00156; gnomAD 0.00568 and 0.00607; gnomAD exomes 0.00044 and 0.00137; 1000 Genomes Project 30x 0.00671; 1000 Genomes Project 0.00699.

Submissions (4):

Myriad Genetics, Inc.
Classification: Likely benign for Colorectal cancer, hereditary nonpolyposis, type 7. Last evaluated: 2026-02-19. Review status: criteria provided, single submitter. Criteria: Myriad Autosomal Dominant, Autosomal Recessive and X-Linked Classification Criteria (2023). Collection method: clinical testing. Allele origin: unknown.
Comment: This variant is considered likely benign. This variant is intronic and is not expected to impact mRNA splicing.

Labcorp Genetics (formerly Invitae), Labcorp
Classification: Benign for Colorectal cancer, hereditary nonpolyposis, type 7. Last evaluated: 2026-01-18. Review status: criteria provided, single submitter. Criteria: Invitae Variant Classification Sherloc (09022015). Collection method: clinical testing. Allele origin: germline.

Center for Genomic Medicine, Rigshospitalet, Copenhagen University Hospital
Classification: Benign. Last evaluated: 2025-03-04. Review status: criteria provided, single submitter. Criteria: ACMG Guidelines, 2015. Collection method: clinical testing. Allele origin: germline.

Ambry Genetics
Classification: Benign. Last evaluated: 2020-08-25. Review status: criteria provided, single submitter. Criteria: Ambry Variant Classification Scheme 2023. Collection method: clinical testing. Allele origin: germline.